The following is an entry in ClinVar:

NM_014159.7(SETD2):c.5202G>C (p.Gln1734His)

Gene: SETD2 (SET domain containing 2, histone lysine methyltransferase; minus strand). Cytogenetic location: 3p21.31.
Variant type: single nucleotide variant.
Coding change: c.5202G>C on transcript NM_014159.7 (MANE Select); coding-DNA position 5202, G replaced by C.
Protein change: p.Gln1734His; replaces glutamine 1734 with histidine.
Molecular consequence: missense variant. On other transcripts: non-coding transcript variant (1).
Genome position (GRCh38, 1-based): chr3:47,088,188, C>G on the plus strand (G>C on the coding strand, the complement: SETD2 is on the minus strand). VCF-style: chr3-47088188-C-G. GRCh37 (hg19) VCF-style: chr3-47129678-C-G.
Other names: c.5070G>C, p.Gln1690His (NM_001349370.3); short protein forms Q1734H, Q1690H.
Identifiers: ClinVar variation 577762 (VCV000577762.9), dbSNP rs141847082, ClinGen allele CA2362954.

ClinVar aggregate classification (germline): Uncertain significance (1 of 4 stars; one submission).

Conditions:
Luscan-Lumish syndrome. Identifiers: Orphanet 597738, MedGen C4085873, MONDO:0014791, OMIM 616831.

Allele frequency attached by ClinVar (database versions not stated): gnomAD 0.00001; ExAC 0.00002; gnomAD exomes 0.00002 and 0.00006; TOPMed 0.00003; ESP Exome Variant Server 0.00015; 1000 Genomes Project 30x 0.00016; 1000 Genomes Project 0.00020.
gnomAD v4.1: 83 of 1,613,858 alleles (0.0051%); highest among the groups gnomAD compares: Non-Finnish European, 0.0069%; no homozygotes.

Submission:

Labcorp Genetics (formerly Invitae), Labcorp
Classification: Uncertain significance for Luscan-Lumish syndrome. Last evaluated: 2022-03-19. Review status: criteria provided, single submitter. Criteria: Invitae Variant Classification Sherloc (09022015). Collection method: clinical testing. Allele origin: germline.
Comment: This sequence change replaces glutamine, which is neutral and polar, with histidine, which is basic and polar, at codon 1734 of the SETD2 protein (p.Gln1734His). This variant is present in population databases (rs141847082, gnomAD 0.004%). This variant has not been reported in the literature in individuals affected with SETD2-related conditions. ClinVar contains an entry for this variant (Variation ID: 577762). In summary, the available evidence is currently insufficient to determine the role of this variant in disease. Therefore, it has been classified as a Variant of Uncertain Significance. Algorithms developed to predict the effect of missense changes on protein structure and function are either unavailable or do not agree on the potential impact of this missense change (SIFT: "Deleterious"; PolyPhen-2: "Probably Damaging"; Align-GVGD: "Class C0").